The following is an entry in ClinVar:

ClinVar aggregate classification (germline): Uncertain significance (1 of 4 stars; one submission).

Conditions:
Nephronophthisis. Also called: Juvenile Nephronophthisis. Identifiers: Orphanet 655, MedGen C0687120, MONDO:0019005, HP:0000090.

Allele frequency attached by ClinVar (database versions not stated): gnomAD 0.00001.
gnomAD v4.1: 12 of 1,613,478 alleles (0.00074%); highest among the groups gnomAD compares: Non-Finnish European, 0.001%; no homozygotes.

Submission:

Labcorp Genetics (formerly Invitae), Labcorp
Classification: Uncertain significance for Nephronophthisis. Last evaluated: 2022-06-07. Review status: criteria provided, single submitter. Criteria: Invitae Variant Classification Sherloc (09022015). Collection method: clinical testing. Allele origin: germline.
Comment: This variant has not been reported in the literature in individuals affected with NPHP3-related conditions. In summary, the available evidence is currently insufficient to determine the role of this variant in disease. Therefore, it has been classified as a Variant of Uncertain Significance. Algorithms developed to predict the effect of missense changes on protein structure and function are either unavailable or do not agree on the potential impact of this missense change (SIFT: "Deleterious"; PolyPhen-2: "Possibly Damaging"; Align-GVGD: "Class C0"). This variant is present in population databases (rs775281384, gnomAD 0.002%). This sequence change replaces leucine, which is neutral and non-polar, with methionine, which is neutral and non-polar, at codon 1253 of the NPHP3 protein (p.Leu1253Met).

NM_153240.5(NPHP3):c.3757C>A (p.Leu1253Met)

Genes: NPHP3 (nephrocystin 3; minus strand), NPHP3-ACAD11 (NPHP3-ACAD11 readthrough (NMD candidate); minus strand). Cytogenetic location: 3q22.1.
Variant type: single nucleotide variant.
Coding change: c.3757C>A on transcript NM_153240.5 (MANE Select); coding-DNA position 3757, C replaced by A.
Protein change: p.Leu1253Met; replaces leucine 1253 with methionine.
Molecular consequence: missense variant. On other transcripts: non-coding transcript variant (1).
Genome position (GRCh38, 1-based): chr3:132,682,758, G>T on the plus strand (C>A on the coding strand, the complement: NPHP3 is on the minus strand). VCF-style: chr3-132682758-G-T. GRCh37 (hg19) VCF-style: chr3-132401602-G-T.
Other names: short protein forms L1253M.
Identifiers: ClinVar variation 2059743 (VCV002059743.4), dbSNP rs775281384, ClinGen allele CA2621653.